The following is an entry in ClinVar:

ClinVar aggregate classification (germline): Conflicting classifications of pathogenicity. Review status: criteria provided, conflicting classifications (1 of 4 stars). 2 submissions from 2 submitters: Likely pathogenic (1); Uncertain significance (1). Last evaluated 2024-12-13.

Conditions:
Pseudohypoparathyroidism type I A (PHP1A). Also called: PHP IA; Pseudohypoparathyroidism type 1A; ALBRIGHT HEREDITARY OSTEODYSTROPHY WITH MULTIPLE HORMONE RESISTANCE; Pseudohypoparathyroidism Type IA; Pseudohypoparathyroidism Ia (PHP-Ia). Identifiers: Orphanet 79443, MedGen C3494506, MONDO:0007078, OMIM 103580.

Submissions (2):

Women's Health and Genetics/Laboratory Corporation of America, LabCorp
Classification: Uncertain significance. Last evaluated: 2024-12-13. Review status: criteria provided, single submitter. Criteria: LabCorp Variant Classification Summary - May 2015. Collection method: clinical testing. Allele origin: germline.
Comment: Variant summary: GNAS c.-51446C>T (also known as c.175C>T (p.Gln59X) in NM_016592) is located in the untranscribed region upstream of the GNAS gene region. The variant was absent in 244574 control chromosomes (gnomAD). The available data on variant occurrences in the general population are insufficient to allow any conclusion about variant significance. To our knowledge, no occurrence of c.-51446C>T in individuals affected with GNAS-Related Disorders and no experimental evidence demonstrating its impact on protein function have been reported. ClinVar contains an entry for this variant (Variation ID: 3381217). Based on the evidence outlined above, the variant was classified as uncertain significance.

Servicio de Genética Del Instituto Nacional de Salud Del Niño, Ministerio de Salud
Classification: Likely pathogenic for Pseudohypoparathyroidism type I A. Last evaluated: 2024-11-18. Review status: criteria provided, single submitter. Criteria: ACMG Guidelines, 2015. Collection method: clinical testing. Allele origin: germline. Inheritance: Autosomal dominant inheritance. Affected: yes.
Comment: The variant NM_016592.5:c.175C>T (p.Gln59)* introduces a premature stop codon in exon 2 of the gene, likely resulting in a truncated protein or nonsense-mediated decay (NMD). According to ACMG/AMP guidelines, this variant meets the criteria for PVS1 and PM2, supporting its classification as likely pathogenic

NM_016592.5(GNAS):c.175C>T (p.Gln59Ter)

Genes: GNAS (GNAS complex locus; plus strand), GNAS-AS1 (GNAS antisense RNA 1; minus strand). Cytogenetic location: 20q13.32.
Variant type: single nucleotide variant.
Coding change: c.175C>T on transcript NM_016592.5 (MANE Plus Clinical); coding-DNA position 175, C replaced by T.
Protein change: p.Gln59Ter; replaces glutamine 59 with a stop codon.
Molecular consequence: nonsense. On other transcripts: genic upstream transcript variant (1), 5 prime UTR variant (1).
Genome position (GRCh38, 1-based): chr20:58,840,281, C>T. VCF-style: chr20-58840281-C-T. GRCh37 (hg19) VCF-style: chr20-57415336-C-T.
Other names: c.-51446C>T (NM_000516.7); c.-563C>T (NM_001410912.1); short protein forms Q59*.
Identifiers: ClinVar variation 3381217 (VCV003381217.3).
Genomic context (GRCh38, chr20:58,840,281, plus strand): 5'-ATCGCGCTCCTCCGCGCCCTTGCCACCTCCAACGCCCGTGCCCAGCAGCGCGCGGCTGCC[C>T]AACAGCGCCGGAGCTTCCTTAACGCCCACCACCGCTCCGGCGCCCAGGTATTCCCTGAGT-3'